The following is an entry in ClinVar:

NM_000238.4(KCNH2):c.2966-8G>A

Gene: KCNH2 (potassium voltage-gated channel subfamily H member 2; minus strand). Cytogenetic location: 7q36.1.
Variant type: single nucleotide variant.
Coding change: c.2966-8G>A on transcript NM_000238.4 (MANE Select); 8 bases into the intron before coding-DNA position 2966, G replaced by A.
Molecular consequence: intron variant.
Genome position (GRCh38, 1-based): chr7:150,947,522, C>T on the plus strand (G>A on the coding strand, the complement: KCNH2 is on the minus strand). VCF-style: chr7-150947522-C-T. GRCh37 (hg19) VCF-style: chr7-150644610-C-T.
Other names: c.2678-8G>A (NM_001406753.1); c.1946-8G>A (NM_172057.3).
Identifiers: ClinVar variation 3695107 (VCV003695107.3).

ClinVar aggregate classification (germline): Uncertain significance. Review status: criteria provided, multiple submitters, no conflicts (2 of 4 stars). 2 submissions from 2 submitters: Uncertain significance (2). Last evaluated 2025-12-09.

Conditions:
Cardiac arrhythmia. Also called: Arrhythmia; Cardiac rhythm disease. Identifiers: MedGen C0003811, MONDO:0007263, HP:0011675.
Long QT syndrome (LQTS). Identifiers: MedGen C0023976, MeSH D008133, MONDO:0002442. Disease mechanism: loss of function. Inheritance: Various modes of inheritance.

Submissions (2):

Color Diagnostics, LLC DBA Color Health
Classification: Uncertain significance for Cardiac arrhythmia. Last evaluated: 2025-12-09. Review status: criteria provided, single submitter. Criteria: ACMG Guidelines, 2015. Collection method: clinical testing. Allele origin: germline.
Comment: This variant causes a G to A nucleotide substitution at the -8 position of intron 12 of the KCNH2 gene. Splice site prediction tools predict that this variant may have a significant impact on RNA splicing,although this prediction has not been confirmed in published RNA studies. This variant has not been reported in individuals affected with KCNH2-related disorders in the literature. This variant has been identified in 1/1597162 chromosomes in the general population by the Genome Aggregation Database (gnomAD). The available evidence is insufficient to determine the role of this variant in disease conclusively. Therefore, this variant is classified as a Variant of Uncertain Significance.

Labcorp Genetics (formerly Invitae), Labcorp
Classification: Uncertain significance for Long QT syndrome. Last evaluated: 2024-02-16. Review status: criteria provided, single submitter. Criteria: Invitae Variant Classification Sherloc (09022015). Collection method: clinical testing. Allele origin: germline.
Comment: This sequence change falls in intron 12 of the KCNH2 gene. It does not directly change the encoded amino acid sequence of the KCNH2 protein. This variant is present in population databases (no rsID available, gnomAD 0.007%). This variant has not been reported in the literature in individuals affected with KCNH2-related conditions. Algorithms developed to predict the effect of sequence changes on RNA splicing suggest that this variant may disrupt the consensus splice site. In summary, the available evidence is currently insufficient to determine the role of this variant in disease. Therefore, it has been classified as a Variant of Uncertain Significance.